The following is an entry in ClinVar:

NM_014795.4(ZEB2):c.593-247A>C

Gene: ZEB2 (zinc finger E-box binding homeobox 2; minus strand). Cytogenetic location: 2q22.3.
Variant type: single nucleotide variant.
Coding change: c.593-247A>C on transcript NM_014795.4 (MANE Select); 247 bases into the intron before coding-DNA position 593, A replaced by C.
Molecular consequence: intron variant.
Genome position (GRCh38, 1-based): chr2:144,404,377, T>G on the plus strand (A>C on the coding strand, the complement: ZEB2 is on the minus strand). VCF-style: chr2-144404377-T-G. GRCh37 (hg19) VCF-style: chr2-145161944-T-G.
Other names: c.521-247A>C (NM_001171653.2).
Identifiers: ClinVar variation 670340 (VCV000670340.1), dbSNP rs868058649, ClinGen allele CA57562239.

ClinVar aggregate classification (germline): Benign (1 of 4 stars; one submission).

Allele frequency attached by ClinVar (database versions not stated): 1000 Genomes Project 30x 0.01249.

Submission:

GeneDx
Classification: Benign. Last evaluated: 2018-06-19. Review status: criteria provided, single submitter. Criteria: GeneDx Variant Classification (06012015). Collection method: clinical testing. Allele origin: germline. Affected: yes.
Comment: This variant is considered likely benign or benign based on one or more of the following criteria: it is a conservative change, it occurs at a poorly conserved position in the protein, it is predicted to be benign by multiple in silico algorithms, and/or has population frequency not consistent with disease.